The following is an entry in ClinVar:

NM_053025.4(MYLK):c.1025C>A (p.Ser342Tyr)

Gene: MYLK (myosin light chain kinase; minus strand). Cytogenetic location: 3q21.1.
Variant type: single nucleotide variant.
Coding change: c.1025C>A on transcript NM_053025.4 (MANE Select); coding-DNA position 1025, C replaced by A.
Protein change: p.Ser342Tyr; replaces serine 342 with tyrosine.
Molecular consequence: missense variant.
Genome position (GRCh38, 1-based): chr3:123,733,971, G>T on the plus strand (C>A on the coding strand, the complement: MYLK is on the minus strand). VCF-style: chr3-123733971-G-T. GRCh37 (hg19) VCF-style: chr3-123452818-G-T.
Other names: c.497C>A, p.Ser166Tyr (NM_001321309.2); c.1025C>A, p.Ser342Tyr (NM_053026.4, NM_053027.4, NM_053028.4); c.1025C>A (NM_053025.3); short protein forms S166Y, S342Y.
Identifiers: ClinVar variation 3624519 (VCV003624519.3).

ClinVar aggregate classification (germline): Uncertain significance. Review status: criteria provided, multiple submitters, no conflicts (2 of 4 stars). 2 submissions from 2 submitters: Uncertain significance (2). Last evaluated 2025-07-30.

Conditions:
Familial thoracic aortic aneurysm and aortic dissection (TAAD). Also called: Thoracic aortic aneurysms and dissections. Identifiers: Orphanet 91387, MedGen C4707243, MONDO:0019625.
Aortic aneurysm, familial thoracic 7 (AAT7). Also called: AORTIC DISSECTION, FAMILIAL, WITH OR WITHOUT AORTIC ANEURYSM. Identifiers: MedGen C3151077, MONDO:0013418, OMIM 613780.

Submissions (2):

Ambry Genetics
Classification: Uncertain significance for Familial thoracic aortic aneurysm and aortic dissection. Last evaluated: 2025-07-30. Review status: criteria provided, single submitter. Criteria: Ambry Variant Classification Scheme 2023. Collection method: clinical testing. Allele origin: germline.
Comment: The p.S342Y variant (also known as c.1025C>A), located in coding exon 7 of the MYLK gene, results from a C to A substitution at nucleotide position 1025. The serine at codon 342 is replaced by tyrosine, an amino acid with dissimilar properties. This amino acid position is conserved. In addition, this alteration is predicted to be tolerated by in silico analysis. Based on the available evidence, the clinical significance of this variant remains unclear.

Labcorp Genetics (formerly Invitae), Labcorp
Classification: Uncertain significance for Aortic aneurysm, familial thoracic 7. Last evaluated: 2024-10-04. Review status: criteria provided, single submitter. Criteria: Invitae Variant Classification Sherloc (09022015). Collection method: clinical testing. Allele origin: germline.
Comment: This sequence change replaces serine, which is neutral and polar, with tyrosine, which is neutral and polar, at codon 342 of the MYLK protein (p.Ser342Tyr). This variant is not present in population databases (gnomAD no frequency). This variant has not been reported in the literature in individuals affected with MYLK-related conditions. Invitae Evidence Modeling of protein sequence and biophysical properties (such as structural, functional, and spatial information, amino acid conservation, physicochemical variation, residue mobility, and thermodynamic stability) indicates that this missense variant is not expected to disrupt MYLK protein function with a negative predictive value of 95%. In summary, the available evidence is currently insufficient to determine the role of this variant in disease. Therefore, it has been classified as a Variant of Uncertain Significance.